The following is an entry in ClinVar:

ClinVar aggregate classification (germline): Conflicting classifications of pathogenicity. Review status: criteria provided, conflicting classifications (1 of 4 stars). 10 submissions from 10 submitters: Uncertain significance (9); Likely benign (1). Last evaluated 2026-01-13.

Conditions:
Hereditary cancer-predisposing syndrome. Also called: Hereditary Cancer Syndrome; Hereditary neoplastic syndrome; Neoplastic Syndromes, Hereditary; Tumor predisposition. Identifiers: Orphanet 140162, MedGen C0027672, MeSH D009386, MONDO:0015356.
Breast-ovarian cancer, familial, susceptibility to, 2 (BROVCA2). Also called: BRCA2 Hereditary Breast and Ovarian Cancer. Identifiers: Orphanet 145, MedGen C2675520, MONDO:0012933, OMIM 612555. Disease mechanism: loss of function.
Hereditary breast ovarian cancer syndrome. Also called: Hereditary breast and ovarian cancer; Hereditary breast and ovarian cancer syndrome (HBOC); Hereditary breast and/or ovarian cancer syndrome; Breast and ovarian cancer; BRCA1- and BRCA2-Associated Hereditary Breast and Ovarian Cancer; Hereditary breast and ovarian cancer syndrome. Identifiers: Orphanet 145, MedGen C0677776, MeSH D061325, MONDO:0003582. Disease mechanism: loss of function.
Familial cancer of breast. Also called: Hereditary breast cancer; hereditary breast carcinoma; BREAST CANCER, FAMILIAL. Identifiers: Orphanet 227535, MedGen C0346153, MONDO:0016419, OMIM 114480. Disease mechanism: loss of function.

Submissions (10):

Labcorp Genetics (formerly Invitae), Labcorp
Classification: Uncertain significance for Hereditary breast ovarian cancer syndrome. Last evaluated: 2026-01-13. Review status: criteria provided, single submitter. Criteria: Invitae Variant Classification Sherloc (09022015). Collection method: clinical testing. Allele origin: germline.
Comment: This sequence change replaces glutamic acid, which is acidic and polar, with aspartic acid, which is acidic and polar, at codon 2070 of the BRCA2 protein (p.Glu2070Asp). This variant is not present in population databases (gnomAD no frequency). This missense change has been observed in individual(s) with breast and/or ovarian cancer (PMID: 24916970). ClinVar contains an entry for this variant (Variation ID: 441313). Invitae Evidence Modeling of protein sequence and biophysical properties (such as structural, functional, and spatial information, amino acid conservation, physicochemical variation, residue mobility, and thermodynamic stability) indicates that this missense variant is not expected to disrupt BRCA2 protein function with a negative predictive value of 95%. In summary, the available evidence is currently insufficient to determine the role of this variant in disease. Therefore, it has been classified as a Variant of Uncertain Significance.

Dasa
Classification: Uncertain significance for Breast-ovarian cancer, familial, susceptibility to, 2. Last evaluated: 2025-06-23. Review status: criteria provided, single submitter. Criteria: DASA Assertion Criteria. Collection method: clinical testing. Allele origin: germline.
Comment: NM_000059.4(BRCA2):c.6210A>T (p.Glu2070Asp) is a missense variant that results in the substitution of glutamic acid with aspartic acid. This variant is absent from population databases. The currently available literature and clinical evidence are not sufficient to establish a definitive association between this variant and the reported condition. Therefore, this variant is classified as a variant of uncertain significance.

Ambry Genetics
Classification: Uncertain significance for Hereditary cancer-predisposing syndrome. Last evaluated: 2025-06-06. Review status: criteria provided, single submitter. Criteria: Ambry Variant Classification Scheme 2023. Collection method: clinical testing. Allele origin: germline.
Comment: The p.E2070D variant (also known as c.6210A>T), located in coding exon 10 of the BRCA2 gene, results from an A to T substitution at nucleotide position 6210. The glutamic acid at codon 2070 is replaced by aspartic acid, an amino acid with highly similar properties. This alteration was detected once in a cohort of Portuguese breast and ovarian cancer families and authors classified it as a variant of unknown significance (Peixoto A et al. Clin. Genet., 2015 Jul;88:41-8). This amino acid position is well conserved in available vertebrate species. In addition, the in silico prediction for this alteration is inconclusive. Based on the available evidence, the clinical significance of this variant remains unclear.

Color Diagnostics, LLC DBA Color Health
Classification: Uncertain significance for Hereditary cancer-predisposing syndrome. Last evaluated: 2023-04-24. Review status: criteria provided, single submitter. Criteria: ACMG Guidelines, 2015. Collection method: clinical testing. Allele origin: germline.
Comment: This missense variant replaces glutamic acid with aspartic acid at codon 2070 of the BRCA2 protein. Computational prediction is inconclusive regarding the impact of this variant on protein structure and function (internally defined REVEL score threshold 0.5 < inconclusive < 0.7, PMID: 27666373). To our knowledge, functional studies have not been reported for this variant. This variant has been reported in a suspected hereditary breast and ovarian cancer family (PMID: 24916970). This variant has not been identified in the general population by the Genome Aggregation Database (gnomAD). The available evidence is insufficient to determine the role of this variant in disease conclusively. Therefore, this variant is classified as a Variant of Uncertain Significance.

University of Washington Department of Laboratory Medicine, University of Washington
Classification: Likely benign for Hereditary cancer-predisposing syndrome. Last evaluated: 2023-03-23. Review status: criteria provided, single submitter. Criteria: Dines et al. (Genet Med. 2020). Collection method: curation. Allele origin: germline.
Comment: Missense variant in a coldspot region where missense variants are very unlikely to be pathogenic (PMID:31911673).

BRCA2 exon 11 coldspot. Reclassification based on statistical prior probability.

Blueprint Genetics
Classification: Uncertain significance. Last evaluated: 2022-09-07. Review status: criteria provided, single submitter. Criteria: ACMG Guidelines, 2015. Collection method: clinical testing. Allele origin: germline.

Mendelics
Classification: Uncertain significance. Last evaluated: 2022-05-04. Review status: criteria provided, single submitter. Criteria: Mendelics Assertion Criteria 2019. Collection method: clinical testing. Allele origin: germline.

Department of Pathology and Laboratory Medicine, Sinai Health System
Classification: Uncertain significance for Familial cancer of breast; Breast-ovarian cancer, familial, susceptibility to, 2. Last evaluated: 2022-03-02. Review status: criteria provided, single submitter. Criteria: ACMG Guidelines, 2015. Collection method: clinical testing. Allele origin: germline. Affected: yes.

GeneDx
Classification: Uncertain significance. Last evaluated: 2020-03-18. Review status: criteria provided, single submitter. Criteria: GeneDx Variant Classification Process June 2021. Collection method: clinical testing. Allele origin: germline. Affected: yes.
Comment: Not observed in large population cohorts (Lek 2016); In silico analysis supports that this missense variant does not alter protein structure/function; Also known as c.6438A>T; Observed in individuals with a personal and/or family history with breast and/or ovarian cancer (Peixoto 2015); This variant is associated with the following publications: (PMID: 23315985, 24916970)

Women's Health and Genetics/Laboratory Corporation of America, LabCorp
Classification: Uncertain significance. Last evaluated: 2019-03-08. Review status: criteria provided, single submitter. Criteria: LabCorp Variant Classification Summary - May 2015. Collection method: clinical testing. Allele origin: germline.
Comment: Variant summary: BRCA2 c.6210A>T (p.Glu2070Asp) results in a conservative amino acid change located in the BRCA2 repeat domain of the encoded protein sequence. Three of five in-silico tools predict a damaging effect of the variant on protein function. The variant was absent in 244952 control chromosomes (gnomAD). The available data on variant occurrences in the general population are insufficient to allow any conclusion about variant significance. This variant has been reported in the literature in individuals affected with Hereditary Breast and Ovarian Cancer (Costa_2013, Peixoto_2014). These reports do not provide unequivocal conclusions about association of the variant with Hereditary Breast and Ovarian Cancer. To our knowledge, no experimental evidence demonstrating an impact on protein function has been reported. One clinical diagnostic laboratory has submitted clinical-significance assessments for this variant to ClinVar after 2014 without evidence for independent evaluation. This laboratory classified the variant as uncertain significance. Based on the evidence outlined above, the variant was classified as uncertain significance.

Literature cited by the submitters: PubMed 24916970 (cited by 5 submitters); PubMed 23315985 (cited by Women's Health and Genetics/Laboratory Corporation of America, LabCorp).

NM_000059.4(BRCA2):c.6210A>T (p.Glu2070Asp)

Gene: BRCA2 (BRCA2 DNA repair associated; plus strand). Cytogenetic location: 13q13.1.
Variant type: single nucleotide variant.
Coding change: c.6210A>T on transcript NM_000059.4 (MANE Select); coding-DNA position 6210, A replaced by T.
Protein change: p.Glu2070Asp; replaces glutamic acid 2070 with aspartic acid.
Molecular consequence: missense variant.
Genome position (GRCh38, 1-based): chr13:32,340,565, A>T. VCF-style: chr13-32340565-A-T. GRCh37 (hg19) VCF-style: chr13-32914702-A-T.
Other names: short protein forms E2070D.
Identifiers: ClinVar variation 441313 (VCV000441313.26), dbSNP rs1555284596, ClinGen allele CA387788854.